The following is an entry in ClinVar:

NM_000330.4(RS1):c.629T>C (p.Ile210Thr)

Genes: CDKL5 (cyclin dependent kinase like 5; plus strand), RS1 (retinoschisin 1; minus strand). Cytogenetic location: Xp22.13.
Variant type: single nucleotide variant.
Coding change: c.629T>C on transcript NM_000330.4 (MANE Select); coding-DNA position 629, T replaced by C.
Protein change: p.Ile210Thr; replaces isoleucine 210 with threonine.
Molecular consequence: missense variant. On other transcripts: intron variant (2).
Genome position (GRCh38, 1-based): chrX:18,642,050, A>G on the plus strand (T>C on the coding strand, the complement: RS1 is on the minus strand). VCF-style: chrX-18642050-A-G. GRCh37 (hg19) VCF-style: chrX-18660170-A-G.
Other names: c.2714-3957A>G (NM_003159.3, NM_001037343.2); short protein forms I210T.
Identifiers: ClinVar variation 3003973 (VCV003003973.3), dbSNP rs757697856, ClinGen allele CA412370177.
Genomic context (GRCh38, chrX:18,642,050, plus strand): 5'-AGCTGAGGCAGGCATCAGGCACACTTGCTGACGCACTCCAGCAGCTCCATCCGGATGGCA[A>G]TGCGGACGTGCCAGCCCAGCGGGATGAGGCGGATGAAGCGGGAGATGATGGGGGGCCGCA-3'
Protein context (NP_000321.1, residues 200-220): RLIPLGWHVR[Ile210Thr]AIRMELLECV

ClinVar aggregate classification (germline): Likely pathogenic (1 of 4 stars; one submission).

gnomAD v4.1: 2 of 1,211,504 alleles (0.00017%); highest among the groups gnomAD compares: East Asian, 0.003%; no homozygotes.

Submission:

Labcorp Genetics (formerly Invitae), Labcorp
Classification: Likely pathogenic. Last evaluated: 2024-01-04. Review status: criteria provided, single submitter. Criteria: Invitae Variant Classification Sherloc (09022015). Collection method: clinical testing. Allele origin: germline.
Comment: This sequence change replaces isoleucine, which is neutral and non-polar, with threonine, which is neutral and polar, at codon 210 of the RS1 protein (p.Ile210Thr). This variant is not present in population databases (gnomAD no frequency). This variant has not been reported in the literature in individuals affected with RS1-related conditions. Advanced modeling of protein sequence and biophysical properties (such as structural, functional, and spatial information, amino acid conservation, physicochemical variation, residue mobility, and thermodynamic stability) performed at Invitae indicates that this missense variant is expected to disrupt RS1 protein function with a positive predictive value of 95%. This variant disrupts the p.Ile210 amino acid residue in RS1. Other variant(s) that disrupt this residue have been determined to be pathogenic (Invitae). This suggests that this residue is clinically significant, and that variants that disrupt this residue are likely to be disease-causing. In summary, the currently available evidence indicates that the variant is pathogenic, but additional data are needed to prove that conclusively. Therefore, this variant has been classified as Likely Pathogenic.